The following is an entry in ClinVar:

NM_020778.5(ALPK3):c.590A>G (p.Glu197Gly)

Gene: ALPK3 (alpha kinase 3; plus strand). Cytogenetic location: 15q25.3.
Variant type: single nucleotide variant.
Coding change: c.590A>G on transcript NM_020778.5 (MANE Select); coding-DNA position 590, A replaced by G.
Protein change: p.Glu197Gly; replaces glutamic acid 197 with glycine.
Molecular consequence: missense variant.
Genome position (GRCh38, 1-based): chr15:84,839,869, A>G. VCF-style: chr15-84839869-A-G. GRCh37 (hg19) VCF-style: chr15-85383100-A-G.
Other names: c.1196A>G (NM_020778.4); short protein forms E197G.
Identifiers: ClinVar variation 4698948 (VCV004698948.2).
Genomic context (GRCh38, chr15:84,839,869, plus strand): 5'-TCCACCAGCGCTGGTTCGCCAAGTTGAAGCGCAAGGCTGCGGCAAAGCTGCGCGAGATCG[A>G]GCAGAGCTGGAAGCACGAGAAGGCGGTGCCTGGGGAGGTCGACACTCTGCGCAAGCTCAG-3'
Protein context (NP_065829.4, residues 187-207): RKAAAKLREI[Glu197Gly]QSWKHEKAVP

ClinVar aggregate classification (germline): Uncertain significance. Review status: criteria provided, multiple submitters, no conflicts (2 of 4 stars). 2 submissions from 2 submitters: Uncertain significance (2). Last evaluated 2026-08-29.

Conditions:
Cardiovascular phenotype. Identifiers: MedGen CN230736.

gnomAD v4.1: 1 of 1,614,104 alleles (0.000062%); highest among the groups gnomAD compares: Admixed American, 0.0017%; no homozygotes.

Submissions (2):

Ambry Genetics
Classification: Uncertain significance for Cardiovascular phenotype. Last evaluated: 2026-08-29. Review status: criteria provided, single submitter. Criteria: Ambry Variant Classification Scheme 2023. Collection method: clinical testing. Allele origin: germline.
Comment: The p.E399G variant (also known as c.1196A>G), located in coding exon 5 of the ALPK3 gene, results from an A to G substitution at nucleotide position 1196. The glutamic acid at codon 399 is replaced by glycine, an amino acid with similar properties. This amino acid position is conserved. In addition, the in silico prediction for this alteration is inconclusive. Based on the available evidence, the clinical significance of this variant remains unclear.

Labcorp Genetics (formerly Invitae), Labcorp
Classification: Uncertain significance. Last evaluated: 2025-05-21. Review status: criteria provided, single submitter. Criteria: Invitae Variant Classification Sherloc (09022015). Collection method: clinical testing. Allele origin: germline.
Comment: This sequence change replaces glutamic acid, which is acidic and polar, with glycine, which is neutral and non-polar, at codon 399 of the ALPK3 protein (p.Glu399Gly). This variant is not present in population databases (gnomAD no frequency). This variant has not been reported in the literature in individuals affected with ALPK3-related conditions. Invitae Evidence Modeling of protein sequence and biophysical properties (such as structural, functional, and spatial information, amino acid conservation, physicochemical variation, residue mobility, and thermodynamic stability) indicates that this missense variant is expected to disrupt ALPK3 protein function with a positive predictive value of 80%. In summary, the available evidence is currently insufficient to determine the role of this variant in disease. Therefore, it has been classified as a Variant of Uncertain Significance.